The following is an entry in ClinVar:

ClinVar aggregate classification (germline): Uncertain significance (1 of 4 stars; one submission).

Allele frequency attached by ClinVar (database versions not stated): gnomAD exomes below 0.00001.

Submission:

Labcorp Genetics (formerly Invitae), Labcorp
Classification: Uncertain significance. Last evaluated: 2022-03-22. Review status: criteria provided, single submitter. Criteria: Invitae Variant Classification Sherloc (09022015). Collection method: clinical testing. Allele origin: germline.
Comment: This variant is present in population databases (no rsID available, gnomAD 0.0009%). This sequence change replaces lysine, which is basic and polar, with asparagine, which is neutral and polar, at codon 389 of the CEP63 protein (p.Lys389Asn). In summary, the available evidence is currently insufficient to determine the role of this variant in disease. Therefore, it has been classified as a Variant of Uncertain Significance. Algorithms developed to predict the effect of missense changes on protein structure and function are either unavailable or do not agree on the potential impact of this missense change (SIFT: "Deleterious"; PolyPhen-2: "Benign"; Align-GVGD: "Class C35"). This variant has not been reported in the literature in individuals affected with CEP63-related conditions.

NM_001353108.3(CEP63):c.1167A>T (p.Lys389Asn)

Gene: CEP63 (centrosomal protein 63; plus strand). Cytogenetic location: 3q22.2.
Variant type: single nucleotide variant.
Coding change: c.1167A>T on transcript NM_001353108.3 (MANE Select); coding-DNA position 1167, A replaced by T.
Protein change: p.Lys389Asn; replaces lysine 389 with asparagine.
Molecular consequence: missense variant. On other transcripts: non-coding transcript variant (4).
Genome position (GRCh38, 1-based): chr3:134,549,161, A>T. VCF-style: chr3-134549161-A-T. GRCh37 (hg19) VCF-style: chr3-134268003-A-T.
Other names: c.1029A>T, p.Lys343Asn (NM_001042383.2, NM_001042384.2, NM_001353109.1 and 6 more transcripts); c.1167A>T, p.Lys389Asn (NM_001042400.3, NM_001353110.1, NM_001353111.2 and 4 more transcripts); c.1056A>T, p.Lys352Asn (NM_001353118.1); c.945A>T, p.Lys315Asn (NM_001353125.2); c.666A>T, p.Lys222Asn (NM_001353126.2); short protein forms K315N, K222N, K389N, K352N, K343N.
Identifiers: ClinVar variation 2093122 (VCV002093122.2), dbSNP rs753487916, ClinGen allele CA354629885.